The following is an entry in ClinVar:

NM_001848.3(COL6A1):c.841G>A (p.Gly281Arg)

Gene: COL6A1 (collagen type VI alpha 1 chain; plus strand). Cytogenetic location: 21q22.3.
Variant type: single nucleotide variant.
Coding change: c.841G>A on transcript NM_001848.3 (MANE Select); coding-DNA position 841, G replaced by A.
Protein change: p.Gly281Arg; replaces glycine 281 with arginine.
Molecular consequence: missense variant.
Genome position (GRCh38, 1-based): chr21:45,989,120, G>A. VCF-style: chr21-45989120-G-A. GRCh37 (hg19) VCF-style: chr21-47409034-G-A.
Other names: short protein forms G281R.
Identifiers: ClinVar variation 17182 (VCV000017182.16), dbSNP rs267606746, ClinGen allele CA257743.

ClinVar aggregate classification (germline): Pathogenic. Review status: criteria provided, multiple submitters, no conflicts (2 of 4 stars). 4 submissions from 4 submitters: Pathogenic (3). 1 of the submissions does not count toward it. Last evaluated 2025-09-02.

Conditions:
COL6A1-related disorder. Also called: COL6A1-related condition.
Bethlem myopathy 1A. Also called: Bethlem Muscular Dystrophy; Bethlem myopathy 1; MYOPATHY, BENIGN CONGENITAL, WITH CONTRACTURES. Identifiers: Orphanet 610, MedGen CN029274, MONDO:0024530, OMIM 158810.
Ullrich congenital muscular dystrophy 1A. Also called: Intermediate COL6-RD; Ullrich congenital muscular dystrophy 1. Identifiers: Orphanet 75840, MedGen C0410179, MONDO:0009681, OMIM 254090.

Submissions (4):

3billion
Classification: Pathogenic for COL6A1-related disorder. Last evaluated: 2025-09-02. Review status: criteria provided, single submitter. Criteria: ACMG Guidelines, 2015. Collection method: clinical testing. Allele origin: germline. Affected: yes.
Comment: The variant is not observed in the gnomAD v4.1.0 dataset. Predicted Consequence/Location: Missense variant In silico tool predictions suggest damaging effect of the variant on gene or gene product [REVEL: 0.98 (>=0.6, sensitivity 0.68 and specificity 0.92); 3Cnet: 0.99 (> 0.75, sensitivity 0.96 and precision 0.92)]. The same nucleotide change resulting in the same amino acid change has been previously reported as pathogenic/likely pathogenic with strong evidence (ClinVar ID: VCV000017182 /PMID: 15689448). The variant has been observed in at least two similarly affected unrelated individuals (PMID: 15689448, 24038877). Different missense changes at the same codon (p.Gly281Ala, p.Gly281Glu) have been reported as pathogenic/likely pathogenic with strong evidence (ClinVar ID: VCV000280099 /PMID: 24038877). Therefore, this variant is classified as Pathogenic according to the recommendation of ACMG/AMP guideline.

Labcorp Genetics (formerly Invitae), Labcorp
Classification: Pathogenic for Bethlem myopathy 1A. Last evaluated: 2023-08-07. Review status: criteria provided, single submitter. Criteria: Invitae Variant Classification Sherloc (09022015). Collection method: clinical testing. Allele origin: germline.
Comment: For these reasons, this variant has been classified as Pathogenic. This variant disrupts the triple helix domain of COL6A1. Glycine residues within the Gly-Xaa-Yaa repeats of the triple helix domain are required for the structure and stability of fibrillar collagens (PMID: 7695699, 8218237, 19344236). In COL6A1, variants at these glycine residues are significantly enriched in individuals with autosomal dominant disease (PMID: 15689448, 24038877) compared to the general population (ExAC). Advanced modeling of protein sequence and biophysical properties (such as structural, functional, and spatial information, amino acid conservation, physicochemical variation, residue mobility, and thermodynamic stability) performed at Invitae indicates that this missense variant is expected to disrupt COL6A1 protein function. ClinVar contains an entry for this variant (Variation ID: 17182). This missense change has been observed in individual(s) with clinical features of COL6A1-related conditions (PMID: 15689448, 16935502, 19564581, 24038877). In at least one individual the variant was observed to be de novo. This variant is not present in population databases (gnomAD no frequency). This sequence change replaces glycine, which is neutral and non-polar, with arginine, which is basic and polar, at codon 281 of the COL6A1 protein (p.Gly281Arg).

GeneDx
Classification: Pathogenic. Last evaluated: 2023-03-19. Review status: criteria provided, single submitter. Criteria: GeneDx Variant Classification Process June 2021. Collection method: clinical testing. Allele origin: germline. Affected: yes.
Comment: Replaces the glycine in the canonical Gly-X-Y repeat of the triple helical domain and is expected to disrupt normal protein folding and function, which is an established mechanism of disease (HGMD); In silico analysis supports that this missense variant has a deleterious effect on protein structure/function; Not observed at significant frequency in large population cohorts (gnomAD); This variant is associated with the following publications: (PMID: 16935502, 19564581, 15689448, 24038877, 34167565, 29244830, 32065942, 24077912)

OMIM
Classification: Pathogenic for ULLRICH CONGENITAL MUSCULAR DYSTROPHY 1A, DIGENIC, COL6A1/COL6A2. Last evaluated: 2009-07-07. Review status: no assertion criteria provided. Collection method: literature only. Allele origin: germline. Not counted in ClinVar's aggregate classification.

Literature cited by the submitters: PubMed 24038877 (cited by 3billion and Labcorp Genetics (formerly Invitae), Labcorp); PubMed 15689448 (cited by 3billion and Labcorp Genetics (formerly Invitae), Labcorp); PubMed 7695699 (cited by Labcorp Genetics (formerly Invitae), Labcorp); PubMed 8218237 (cited by Labcorp Genetics (formerly Invitae), Labcorp); PubMed 19344236 (cited by Labcorp Genetics (formerly Invitae), Labcorp); PubMed 16935502 (cited by Labcorp Genetics (formerly Invitae), Labcorp); PubMed 19564581 (cited by Labcorp Genetics (formerly Invitae), Labcorp and OMIM).